The following is an entry in ClinVar:

NM_000530.8(MPZ):c.67+272C>A

Gene: MPZ (myelin protein zero; minus strand). Cytogenetic location: 1q23.3.
Variant type: single nucleotide variant.
Coding change: c.67+272C>A on transcript NM_000530.8 (MANE Select); 272 bases into the intron after coding-DNA position 67, C replaced by A.
Molecular consequence: intron variant.
Genome position (GRCh38, 1-based): chr1:161,309,567, G>T on the plus strand (C>A on the coding strand, the complement: MPZ is on the minus strand). VCF-style: chr1-161309567-G-T. GRCh37 (hg19) VCF-style: chr1-161279357-G-T.
Other names: c.67+272C>A (NM_001315491.2).
Identifiers: ClinVar variation 669586 (VCV000669586.1), dbSNP rs376976260, ClinGen allele CA31671429.
Genomic context (GRCh38, chr1:161,309,567, plus strand): 5'-TCCCTCTAAATGCATATTTTTTTCTTTTCATATATATATATATATATTTTTTTTTTTTTT[G>T]AATTTTACAGATGGAGTCTGGTTATGTTGTCCAGGCTGGTCTCCAACTCCTGGGGCTCAA-3'

ClinVar aggregate classification (germline): Benign (1 of 4 stars; one submission).

Allele frequency attached by ClinVar (database versions not stated): 1000 Genomes Project 30x 0.10587; gnomAD 0.17744 and 0.17827.
gnomAD v4.1: 8,889 of 49,974 alleles (18%); highest among the groups gnomAD compares: South Asian, 27%; 339 homozygotes.

Submission:

GeneDx
Classification: Benign. Last evaluated: 2018-06-14. Review status: criteria provided, single submitter. Criteria: GeneDx Variant Classification (06012015). Collection method: clinical testing. Allele origin: germline. Affected: yes.
Comment: This variant is considered likely benign or benign based on one or more of the following criteria: it is a conservative change, it occurs at a poorly conserved position in the protein, it is predicted to be benign by multiple in silico algorithms, and/or has population frequency not consistent with disease.